The following is an entry in ClinVar:

NM_001429.4(EP300):c.376A>G (p.Met126Val)

Gene: EP300 (EP300 lysine acetyltransferase; plus strand). Cytogenetic location: 22q13.2.
Variant type: single nucleotide variant.
Coding change: c.376A>G on transcript NM_001429.4 (MANE Select); coding-DNA position 376, A replaced by G.
Protein change: p.Met126Val; replaces methionine 126 with valine.
Molecular consequence: missense variant.
Genome position (GRCh38, 1-based): chr22:41,117,468, A>G. VCF-style: chr22-41117468-A-G. GRCh37 (hg19) VCF-style: chr22-41513472-A-G.
Other names: c.376A>G, p.Met126Val (NM_001362843.2); short protein forms M126V.
Identifiers: ClinVar variation 134042 (VCV000134042.35), dbSNP rs200635644, ClinGen allele CA158494.

ClinVar aggregate classification (germline): Benign/Likely benign. Review status: criteria provided, multiple submitters, no conflicts (2 of 4 stars). 7 submissions from 7 submitters: Benign (1); Likely benign (4). 2 of the submissions do not count toward it. Last evaluated 2026-05-08.

Conditions:
EP300-related disorder. Also called: EP300-related disorders; EP300-related condition.
Inborn genetic diseases. Identifiers: MedGen C0950123, MeSH D030342.
Rubinstein-Taybi syndrome due to EP300 haploinsufficiency. Also called: RUBINSTEIN-TAYBI SYNDROME 2; EP300-Related Rubinstein-Taybi Syndrome. Identifiers: Orphanet 353284, Orphanet 783, MedGen C3150941, MONDO:0013364, OMIM 613684.

Allele frequency attached by ClinVar (database versions not stated): ExAC 0.00003; gnomAD exomes 0.00004 and 0.00007; gnomAD 0.00011; TOPMed 0.00030; 1000 Genomes Project 0.00060; 1000 Genomes Project 30x 0.00062.

Submissions (7):

Women's Health and Genetics/Laboratory Corporation of America, LabCorp
Classification: Likely benign. Last evaluated: 2026-05-08. Review status: criteria provided, single submitter. Criteria: LabCorp Variant Classification Summary - May 2015. Collection method: clinical testing. Allele origin: germline.
Comment: Variant summary: EP300 c.376A>G (p.Met126Val) results in a conservative amino acid change in the encoded protein sequence. Algorithms developed to predict the effect of missense changes on protein structure and function are either unavailable or do not agree on the potential impact of this missense change. The variant allele was found at a frequency of 0.00012 in 152328 control chromosomes, predominantly at a frequency of 0.001 within the Latino subpopulation in the gnomAD v4 database (Genomes). The observed variant frequency within Latino control individuals in the gnomAD database exceeds the estimated maximal expected allele frequency for disease-causing variants in EP300. To our knowledge, no occurrence of c.376A>G in individuals affected with EP300-related conditions and no experimental evidence demonstrating its impact on protein function have been reported. ClinVar contains an entry for this variant (Variation ID: 134042). Based on the evidence outlined above, the variant was classified as likely benign.

Labcorp Genetics (formerly Invitae), Labcorp
Classification: Benign for Rubinstein-Taybi syndrome due to EP300 haploinsufficiency. Last evaluated: 2026-02-02. Review status: criteria provided, single submitter. Criteria: Invitae Variant Classification Sherloc (09022015). Collection method: clinical testing. Allele origin: germline.

Ambry Genetics
Classification: Likely benign for Inborn genetic diseases. Last evaluated: 2025-08-02. Review status: criteria provided, single submitter. Criteria: Ambry Variant Classification Scheme 2023. Collection method: clinical testing. Allele origin: germline.

CeGaT Center for Human Genetics Tuebingen
Classification: Likely benign. Last evaluated: 2024-06-01. Review status: criteria provided, single submitter. Criteria: CeGaT Center For Human Genetics Tuebingen Variant Classification Criteria Version 2. Collection method: clinical testing. Allele origin: germline. Affected: yes. Observed: 3 variant alleles.
Comment: EP300: BP4, BS2

GeneDx
Classification: Likely benign. Last evaluated: 2020-10-29. Review status: criteria provided, single submitter. Criteria: GeneDx Variant Classification Process June 2021. Collection method: clinical testing. Allele origin: germline. Affected: yes.

PreventionGenetics, part of Exact Sciences
Classification: Likely benign for EP300-related condition. Last evaluated: 2023-08-18. Review status: no assertion criteria provided. Collection method: clinical testing. Allele origin: germline. Not counted in ClinVar's aggregate classification.
Comment: This variant is classified as likely benign based on ACMG/AMP sequence variant interpretation guidelines (Richards et al. 2015 PMID: 25741868, with internal and published modifications).

ITMI
No classification provided. Condition: AllHighlyPenetrant. Last evaluated: 2013-09-19. Review status: no classification provided. Collection method: reference population. Allele origin: germline. Not counted in ClinVar's aggregate classification.
Comment: Please see associated publication for description of ethnicities

Literature cited by the submitters: PubMed 24728327 (cited by ITMI).